The following is an entry in ClinVar:

NM_198252.3(GSN):c.997G>T (p.Gly333Cys)

Gene: GSN (gelsolin; plus strand). Cytogenetic location: 9q33.2.
Variant type: single nucleotide variant.
Coding change: c.997G>T on transcript NM_198252.3 (MANE Select); coding-DNA position 997, G replaced by T.
Protein change: p.Gly333Cys; replaces glycine 333 with cysteine.
Molecular consequence: missense variant.
Genome position (GRCh38, 1-based): chr9:121,318,686, G>T. VCF-style: chr9-121318686-G-T. GRCh37 (hg19) VCF-style: chr9-124080964-G-T.
Other names: c.1150G>T, p.Gly384Cys (NM_000177.5); c.997G>T, p.Gly333Cys (NM_001127662.2, NM_001127664.2, NM_001127665.2 and 10 more transcripts); c.1105G>T, p.Gly369Cys (NM_001127663.2); c.1030G>T, p.Gly344Cys (NM_001127666.2, NM_001127667.2, NM_001353067.2 and 13 more transcripts); c.1048G>T, p.Gly350Cys (NM_001258029.2); c.1021G>T, p.Gly341Cys (NM_001258030.2); c.1069G>T, p.Gly357Cys (NM_001353076.2); c.343G>T, p.Gly115Cys (NM_001353078.2); short protein forms G341C, G357C, G333C, G115C, G344C, G369C, G350C, G384C.
Identifiers: ClinVar variation 3697176 (VCV003697176.2).

ClinVar aggregate classification (germline): Uncertain significance (1 of 4 stars; one submission).

gnomAD v4.1: 3 of 1,613,166 alleles (0.00019%); highest among the groups gnomAD compares: African/African-American, 0.0027%; no homozygotes.

Submission:

Labcorp Genetics (formerly Invitae), Labcorp
Classification: Uncertain significance. Last evaluated: 2024-06-28. Review status: criteria provided, single submitter. Criteria: Invitae Variant Classification Sherloc (09022015). Collection method: clinical testing. Allele origin: germline.
Comment: This sequence change replaces glycine, which is neutral and non-polar, with cysteine, which is neutral and slightly polar, at codon 384 of the GSN protein (p.Gly384Cys). This variant is present in population databases (no rsID available, gnomAD 0.007%). This variant has not been reported in the literature in individuals affected with GSN-related conditions. Advanced modeling of protein sequence and biophysical properties (such as structural, functional, and spatial information, amino acid conservation, physicochemical variation, residue mobility, and thermodynamic stability) has been performed at Invitae for this missense variant, however the output from this modeling did not meet the statistical confidence thresholds required to predict the impact of this variant on GSN protein function. In summary, the available evidence is currently insufficient to determine the role of this variant in disease. Therefore, it has been classified as a Variant of Uncertain Significance.